The following is an entry in ClinVar:

NM_004211.5(SLC6A5):c.546C>G (p.Asp182Glu)

Gene: SLC6A5 (solute carrier family 6 member 5; plus strand). Cytogenetic location: 11p15.1.
Variant type: single nucleotide variant.
Coding change: c.546C>G on transcript NM_004211.5 (MANE Select); coding-DNA position 546, C replaced by G.
Protein change: p.Asp182Glu; replaces aspartic acid 182 with glutamic acid.
Molecular consequence: missense variant. On other transcripts: intron variant (1).
Genome position (GRCh38, 1-based): chr11:20,604,291, C>G. VCF-style: chr11-20604291-C-G. GRCh37 (hg19) VCF-style: chr11-20625837-C-G.
Other names: c.-24+2626C>G (NM_001318369.2); short protein forms D182E.
Identifiers: ClinVar variation 870670 (VCV000870670.45), dbSNP rs138199033, ClinGen allele CA5921129.

ClinVar aggregate classification (germline): Uncertain significance. Review status: criteria provided, multiple submitters, no conflicts (2 of 4 stars). 2 submissions from 2 submitters: Uncertain significance (2). Last evaluated 2024-01-08.

Conditions:
Hyperekplexia 3 (HKPX3). Also called: HYPEREKPLEXIA 3, AUTOSOMAL RECESSIVE; HYPEREKPLEXIA 3, AUTOSOMAL DOMINANT. Identifiers: Orphanet 3197, MedGen C3553288, MONDO:0013827, OMIM 614618.

gnomAD v4.1: 23 of 1,608,966 alleles (0.0014%); highest among the groups gnomAD compares: Non-Finnish European, 0.002%; no homozygotes.

Submissions (2):

Labcorp Genetics (formerly Invitae), Labcorp
Classification: Uncertain significance for Hyperekplexia 3. Last evaluated: 2024-01-08. Review status: criteria provided, single submitter. Criteria: Invitae Variant Classification Sherloc (09022015). Collection method: clinical testing. Allele origin: germline.
Comment: This sequence change replaces aspartic acid, which is acidic and polar, with glutamic acid, which is acidic and polar, at codon 182 of the SLC6A5 protein (p.Asp182Glu). This variant is present in population databases (rs138199033, gnomAD 0.003%). This variant has not been reported in the literature in individuals affected with SLC6A5-related conditions. ClinVar contains an entry for this variant (Variation ID: 870670). Advanced modeling of protein sequence and biophysical properties (such as structural, functional, and spatial information, amino acid conservation, physicochemical variation, residue mobility, and thermodynamic stability) performed at Invitae indicates that this missense variant is not expected to disrupt SLC6A5 protein function with a negative predictive value of 95%. In summary, the available evidence is currently insufficient to determine the role of this variant in disease. Therefore, it has been classified as a Variant of Uncertain Significance.

CeGaT Center for Human Genetics Tuebingen
Classification: Uncertain significance. Last evaluated: 2020-01-01. Review status: criteria provided, single submitter. Criteria: CeGaT Center For Human Genetics Tuebingen Variant Classification Criteria Version 2. Collection method: clinical testing. Allele origin: germline. Affected: yes. Observed: 1 variant allele.